The following is an entry in ClinVar:

ClinVar aggregate classification (germline): Conflicting classifications of pathogenicity. Review status: criteria provided, conflicting classifications (1 of 4 stars). 2 submissions from 2 submitters: Uncertain significance (1); Likely benign (1). Last evaluated 2017-07-21.

Allele frequency attached by ClinVar (database versions not stated): gnomAD 0.00006; gnomAD exomes 0.00011; TOPMed 0.00012; 1000 Genomes Project 30x 0.00016; 1000 Genomes Project 0.00040.
gnomAD v4.1: 165 of 1,549,694 alleles (0.011%); highest among the groups gnomAD compares: Middle Eastern, 0.069%; no homozygotes.

Submissions (2):

GeneDx
Classification: Likely benign. Last evaluated: 2017-07-21. Review status: criteria provided, single submitter. Criteria: GeneDx Variant Classification (06012015). Collection method: clinical testing. Allele origin: germline. Affected: yes.
Comment: This variant is considered likely benign or benign based on one or more of the following criteria: it is a conservative change, it occurs at a poorly conserved position in the protein, it is predicted to be benign by multiple in silico algorithms, and/or has population frequency not consistent with disease.

Eurofins Ntd Llc (ga)
Classification: Uncertain significance. Last evaluated: 2017-06-02. Review status: criteria provided, single submitter. Criteria: EGL Classification Definitions 2015. Collection method: clinical testing. Allele origin: germline. Observed: 1 variant allele, 1 heterozygote.

NM_001077446.4(TSEN34):c.-8G>A

Gene: TSEN34 (tRNA splicing endonuclease subunit 34; plus strand). Cytogenetic location: 19q13.42.
Variant type: single nucleotide variant.
Coding change: c.-8G>A on transcript NM_001077446.4 (MANE Select); 8 bases upstream of the start codon, G replaced by A.
Molecular consequence: 5 prime UTR variant. On other transcripts: intron variant (4).
Genome position (GRCh38, 1-based): chr19:54,191,357, G>A. VCF-style: chr19-54191357-G-A. GRCh37 (hg19) VCF-style: chr19-54695208-G-A.
Other names: c.-4-4G>A (NM_024075.5, NM_001386740.1, NM_001282333.2 and 1 more transcripts).
Identifiers: ClinVar variation 284231 (VCV000284231.5), dbSNP rs573039542, ClinGen allele CA309372639.